The following is an entry in ClinVar:

NM_130839.5(UBE3A):c.409T>C (p.Cys137Arg)

Genes: SNHG14 (small nucleolar RNA host gene 14; plus strand), UBE3A (ubiquitin protein ligase E3A; minus strand). Cytogenetic location: 15q11.2.
Variant type: single nucleotide variant.
Coding change: c.409T>C on transcript NM_130839.5 (MANE Select); coding-DNA position 409, T replaced by C.
Protein change: p.Cys137Arg; replaces cysteine 137 with arginine.
Molecular consequence: missense variant. On other transcripts: non-coding transcript variant (1), intron variant (2).
Genome position (GRCh38, 1-based): chr15:25,371,765, A>G on the plus strand (T>C on the coding strand, the complement: UBE3A is on the minus strand). VCF-style: chr15-25371765-A-G. GRCh37 (hg19) VCF-style: chr15-25616912-A-G.
Other names: NM_130839.5(UBE3A):c.409T>C; p.Cys137Arg; c.418T>C, p.Cys140Arg (NM_000462.5); c.409T>C, p.Cys137Arg (NM_001354505.1, NM_001354538.2, NM_001354545.2); c.349T>C, p.Cys117Arg (NM_001354506.2, NM_001354507.2, NM_001354508.2 and 17 more transcripts); c.232T>C, p.Cys78Arg (NM_001354546.2); c.301+3700T>C (NM_001354551.2); c.361+3700T>C (NM_001354550.2); short protein forms C117R, C137R, C140R, C78R.
Identifiers: ClinVar variation 156120 (VCV000156120.4), dbSNP rs587782907, ClinGen allele CA333406.

ClinVar aggregate classification (germline): Uncertain significance. Review status: reviewed by expert panel (3 of 4 stars). 4 submissions from 4 submitters: Uncertain significance (1). 3 of the submissions do not count toward it. Last evaluated 2022-06-30.

Conditions:
Angelman syndrome (AS). Also called: HAPPY PUPPET SYNDROME. Identifiers: Orphanet 72, MedGen C0162635, MONDO:0007113, OMIM 105830. Disease mechanism: loss of function. Inheritance: AS is caused by disruption of maternally imprinted UBE3A located within the 15q11.2-q13 Angelman syndrome/Prader-Willi syndrome (AS/PWS) region., imprinting disorder.

Submissions (4):

ClinGen Rett and Angelman-like Disorders Variant Curation Expert Panel
Classification: Uncertain significance for Angelman syndrome. Last evaluated: 2022-06-30. Review status: reviewed by expert panel. Criteria: ClinGen RettAS ACMG Specifications V2. Collection method: curation. Allele origin: germline. Inheritance: Autosomal dominant inheritance.
Comment: The c.349T>C p.(Cys117Arg) variant in UBE3A (NM_130838.2) is absent from gnomAD (PM2_supporting). The p.(Cys117Arg) variant has been observed in at least 3 individuals with a clinical phenotype suggestive of Angelman syndrome (PMID 25212744, ClinVar SCV000570280.3) (PS4_moderate, PP4). Computational prediction analysis tools are inconclusive for this variant. In summary, the c.349T>C p.(Cys117Arg) variant in UBE3A is classified as a Variant of Unknown Significance based on the ACMG/AMP criteria (PS4_moderate, PP4, PM2_supporting).

Pediatric Department, Peking University First Hospital
Classification: Pathogenic for Angelman syndrome. Last evaluated: 2025-02-19. Review status: criteria provided, single submitter. Criteria: ACMG Guidelines, 2015. Collection method: research. Allele origin: maternal. Affected: yes. Not counted in ClinVar's aggregate classification.

GeneDx
Classification: Likely pathogenic. Last evaluated: 2016-05-17. Review status: criteria provided, single submitter. Criteria: GeneDx Variant Classification (06012015). Collection method: clinical testing. Allele origin: germline. Affected: yes. Not counted in ClinVar's aggregate classification.
Comment: The C117R variant has been reported previously in two individuals with suspected Angelman syndrome and in one of these cases was found to be maternally inherited (Sadikovic et al., 2014). Functional studies suggest that C117R results in protein instability (Yi et al., 2015). It was not observed in approximately 6,500 individuals of European and African American ancestry in the NHLBI Exome Sequencing Project, indicating it is not a common benign variant in these populations. The C117R variant is a non-conservative amino acid substitution, which is likely to impact secondary protein structure as these residues differ in polarity, charge, size and/or other properties. This substitution occurs at a position that is conserved across species, and in silico analysis predicts this variant is probably damaging to the protein structure/function. Therefore, this variant is likely pathogenic; however, the possibility that it is benign cannot be excluded.

Baylor Genetics
Classification: Uncertain significance for Angelman syndrome. Last evaluated: 2014-02-14. Review status: no assertion criteria provided. Collection method: clinical testing. Allele origin: maternal. Affected: yes. Observed: 4 variant alleles. Study: UBE3A Mutation Study. Not counted in ClinVar's aggregate classification.
Comment: possible diagnosis of Angelman syndrome

Data collected from clinical UBE3A sequence analysis results

Literature cited by the submitters: PubMed 25212744 (cited by Baylor Genetics).